The following is an entry in ClinVar:

ClinVar aggregate classification (germline): Likely benign (1 of 4 stars; one submission).

Allele frequency attached by ClinVar (database versions not stated): gnomAD exomes 0.00008; TOPMed 0.00009; ExAC 0.00010; gnomAD 0.00013; 1000 Genomes Project 30x 0.00016; 1000 Genomes Project 0.00020; ESP Exome Variant Server 0.00023.

Submission:

CeGaT Center for Human Genetics Tuebingen
Classification: Likely benign. Last evaluated: 2026-06-01. Review status: criteria provided, single submitter. Criteria: CeGaT Center For Human Genetics Tuebingen Variant Classification Criteria Version 2. Collection method: clinical testing. Allele origin: germline. Affected: yes. Observed: 2 variant alleles.
Comment: POLR2A: BP4, BP7

NM_000937.5(POLR2A):c.2163C>T (p.His721=)

Gene: POLR2A (RNA polymerase II subunit A; plus strand). Cytogenetic location: 17p13.1.
Variant type: single nucleotide variant.
Coding change: c.2163C>T on transcript NM_000937.5 (MANE Select); coding-DNA position 2163, C replaced by T.
Protein change: p.His721=; no amino-acid change (histidine 721 retained).
Molecular consequence: synonymous variant.
Genome position (GRCh38, 1-based): chr17:7,501,543, C>T. VCF-style: chr17-7501543-C-T. GRCh37 (hg19) VCF-style: chr17-7404862-C-T.
Identifiers: ClinVar variation 3025458 (VCV003025458.22), dbSNP rs151071350, ClinGen allele CA8349661.
Genomic context (GRCh38, chr17:7,501,543, plus strand): 5'-CAGAGAGTAGGGATTGATGTCTCACCGAGAACTCTGCCTCCAGGTCATCGAGAAGGCACA[C>T]AACAATGAGCTGGAGCCCACCCCAGGGAACACTCTGCGGCAGACGTTTGAGAATCAGGTG-3'
Protein context (NP_000928.1, residues 711-731): QDVIEVIEKA[His721=]NNELEPTPGN